The following is an entry in ClinVar:

ClinVar aggregate classification (germline): Likely benign. Review status: criteria provided, multiple submitters, no conflicts (2 of 4 stars). 6 submissions from 6 submitters: Likely benign (6). Last evaluated 2026-06-01.

Conditions:
TTN-related disorder. Also called: TTN-related disorders; TTN-related condition; TTN-related disease.
Cardiovascular phenotype. Identifiers: MedGen CN230736.
Autosomal recessive limb-girdle muscular dystrophy type 2J (LGMDR10). Also called: MUSCULAR DYSTROPHY, LIMB-GIRDLE, AUTOSOMAL RECESSIVE 10; Limb-girdle muscular dystrophy, type 2J. Identifiers: Orphanet 140922, MedGen C1837342, MONDO:0012127, OMIM 608807.
Dilated cardiomyopathy 1G (CMD1G). Identifiers: Orphanet 154, MedGen C1858763, MONDO:0011400, OMIM 604145.

Allele frequency attached by ClinVar (database versions not stated): gnomAD 0.00001 and 0.00002; gnomAD exomes 0.00009 and 0.00002; ExAC 0.00012; 1000 Genomes Project 30x 0.00016; 1000 Genomes Project 0.00020; TOPMed 0.00002.
gnomAD v4.1: 37 of 1,613,386 alleles (0.0023%); highest among the groups gnomAD compares: Admixed American, 0.037%; 1 homozygote.

Submissions (6):

CeGaT Center for Human Genetics Tuebingen
Classification: Likely benign. Last evaluated: 2026-06-01. Review status: criteria provided, single submitter. Criteria: CeGaT Center For Human Genetics Tuebingen Variant Classification Criteria Version 2. Collection method: clinical testing. Allele origin: germline. Affected: yes. Observed: 1 variant allele.
Comment: TTN: BP4, BP7

PreventionGenetics, part of Exact Sciences
Classification: Likely benign for TTN-related condition. Last evaluated: 2026-05-09. Review status: criteria provided, single submitter. Criteria: ACMG Guidelines, 2015. Collection method: clinical testing. Allele origin: germline.
Comment: This variant is classified as likely benign based on ACMG/AMP sequence variant interpretation guidelines (Richards et al. 2015 PMID: 25741868, with internal and published modifications).

Labcorp Genetics (formerly Invitae), Labcorp
Classification: Likely benign for Dilated cardiomyopathy 1G; Autosomal recessive limb-girdle muscular dystrophy type 2J. Last evaluated: 2026-01-18. Review status: criteria provided, single submitter. Criteria: Invitae Variant Classification Sherloc (09022015). Collection method: clinical testing. Allele origin: germline.

Women's Health and Genetics/Laboratory Corporation of America, LabCorp
Classification: Likely benign. Last evaluated: 2025-07-24. Review status: criteria provided, single submitter. Criteria: LabCorp Variant Classification Summary - May 2015. Collection method: clinical testing. Allele origin: germline.

GeneDx
Classification: Likely benign. Last evaluated: 2021-10-27. Review status: criteria provided, single submitter. Criteria: GeneDx Variant Classification Process June 2021. Collection method: clinical testing. Allele origin: germline. Affected: yes.

Ambry Genetics
Classification: Likely benign for Cardiovascular phenotype. Last evaluated: 2020-02-11. Review status: criteria provided, single submitter. Criteria: Ambry Variant Classification Scheme 2023. Collection method: clinical testing. Allele origin: germline.

NM_001267550.2(TTN):c.70005C>T (p.Ile23335=)

Genes: TTN (titin; minus strand), TTN-AS1 (TTN antisense RNA 1; plus strand), LOC126806422 (BRD4-independent group 4 enhancer GRCh37_chr2:179440205-179441404; plus strand). Cytogenetic location: 2q31.2.
Variant type: single nucleotide variant.
Coding change: c.70005C>T on transcript NM_001267550.2 (MANE Select); coding-DNA position 70005, C replaced by T.
Protein change: p.Ile23335=; no amino-acid change (isoleucine 23335 retained).
Molecular consequence: synonymous variant.
Genome position (GRCh38, 1-based): chr2:178,576,127, G>A on the plus strand (C>T on the coding strand, the complement: TTN is on the minus strand). VCF-style: chr2-178576127-G-A. GRCh37 (hg19) VCF-style: chr2-179440854-G-A.
Other names: c.65082C>T, p.Ile21694= (NM_001256850.1); c.42810C>T, p.Ile14270= (NM_003319.4); c.62301C>T, p.Ile20767= (NM_133378.4); c.43185C>T, p.Ile14395= (NM_133432.3); c.43386C>T, p.Ile14462= (NM_133437.4).
Identifiers: ClinVar variation 413131 (VCV000413131.24), dbSNP rs541680047, ClinGen allele CA1990850.